The following is an entry in ClinVar:

NM_001080.3(ALDH5A1):c.424del (p.Ile142fs)

Gene: ALDH5A1 (aldehyde dehydrogenase 5 family member A1; plus strand). Cytogenetic location: 6p22.3.
Variant type: Deletion.
Coding change: c.424del on transcript NM_001080.3 (MANE Select); coding-DNA position 424, one base deleted (A; older notation c.424delA).
Protein change: p.Ile142fs; shifts the reading frame from isoleucine 142.
Molecular consequence: frameshift variant.
Genome position (GRCh38, 1-based): chr6:24,502,592, A deleted; the last of 2 consecutive A bases (chr6:24,502,591-24,502,592); deleting either gives the same sequence. VCF-style (leftmost placement, unchanged base first): chr6-24502590-TA-T. GRCh37 (hg19) VCF-style: chr6-24502818-TA-T.
Other names: c.424del, p.Ile142fs (NM_001368954.1, NM_170740.1); short protein forms I142fs.
Identifiers: ClinVar variation 2772119 (VCV002772119.3), dbSNP rs2532831046, ClinGen allele CA2697546645.

ClinVar aggregate classification (germline): Pathogenic (1 of 4 stars; one submission).

Conditions:
Succinate-semialdehyde dehydrogenase deficiency (SSADHD). Also called: 4-HYDROXYBUTYRIC ACIDURIA; GABA METABOLIC DEFECT; SSADH DEFICIENCY; Succinic Semialdehyde Dehydrogenase Deficiency. Identifiers: Orphanet 22, MedGen C0268631, MONDO:0010083, OMIM 271980.

Submission:

Labcorp Genetics (formerly Invitae), Labcorp
Classification: Pathogenic for Succinate-semialdehyde dehydrogenase deficiency. Last evaluated: 2023-10-27. Review status: criteria provided, single submitter. Criteria: Invitae Variant Classification Sherloc (09022015). Collection method: clinical testing. Allele origin: germline.
Comment: This sequence change creates a premature translational stop signal (p.Ile142Serfs*9) in the ALDH5A1 gene. It is expected to result in an absent or disrupted protein product. Loss-of-function variants in ALDH5A1 are known to be pathogenic (PMID: 14635103). This variant is not present in population databases (gnomAD no frequency). This variant has not been reported in the literature in individuals affected with ALDH5A1-related conditions. For these reasons, this variant has been classified as Pathogenic.

Literature cited by the submitters: PubMed 14635103.